The following is an entry in ClinVar:

NM_199420.4(POLQ):c.1492A>T (p.Asn498Tyr)

Gene: POLQ (DNA polymerase theta; minus strand). Cytogenetic location: 3q13.33.
Variant type: single nucleotide variant.
Coding change: c.1492A>T on transcript NM_199420.4 (MANE Select); coding-DNA position 1492, A replaced by T.
Protein change: p.Asn498Tyr; replaces asparagine 498 with tyrosine.
Molecular consequence: missense variant.
Genome position (GRCh38, 1-based): chr3:121,512,006, T>A on the plus strand (A>T on the coding strand, the complement: POLQ is on the minus strand). VCF-style: chr3-121512006-T-A. GRCh37 (hg19) VCF-style: chr3-121230853-T-A.
Other names: short protein forms N498Y.
Identifiers: ClinVar variation 1773809 (VCV001773809.2), dbSNP rs2546804415, ClinGen allele CA354116336.
Genomic context (GRCh38, chr3:121,512,006, plus strand): 5'-AGCTGCGAACAGGCTTTAGAGAACCCTGAAGGAGAGCTATGCCTTTTGATTTCTCAGAGT[T>A]CTTACAAATTAAGATACTCTCGCCTATAACCAAAAGATACACATTTGCAAAATCCCAATA-3'
Protein context (NP_955452.3, residues 488-508): TVGESILICK[Asn498Tyr]SEKSKGIALL

ClinVar aggregate classification (germline): Uncertain significance (1 of 4 stars; one submission).

Submission:

Ambry Genetics
Classification: Uncertain significance. Last evaluated: 2022-06-01. Review status: criteria provided, single submitter. Criteria: Ambry Variant Classification Scheme 2023. Collection method: clinical testing. Allele origin: germline.
Comment: The p.N498Y variant (also known as c.1492A>T), located in coding exon 10 of the POLQ gene, results from an A to T substitution at nucleotide position 1492. The asparagine at codon 498 is replaced by tyrosine, an amino acid with dissimilar properties. This amino acid position is conserved. In addition, this alteration is predicted to be tolerated by in silico analysis. Since supporting evidence is limited at this time, the clinical significance of this alteration remains unclear.